The following is an entry in ClinVar:

NM_173689.7(CRB2):c.3219C>G (p.Asp1073Glu)

Gene: CRB2 (crumbs cell polarity complex component 2; plus strand). Cytogenetic location: 9q33.3.
Variant type: single nucleotide variant.
Coding change: c.3219C>G on transcript NM_173689.7 (MANE Select); coding-DNA position 3219, C replaced by G.
Protein change: p.Asp1073Glu; replaces aspartic acid 1073 with glutamic acid.
Molecular consequence: missense variant. On other transcripts: non-coding transcript variant (1).
Genome position (GRCh38, 1-based): chr9:123,373,750, C>G. VCF-style: chr9-123373750-C-G. GRCh37 (hg19) VCF-style: chr9-126136029-C-G.
Other names: c.3219C>G (NM_173689.6); short protein forms D1073E.
Identifiers: ClinVar variation 1447110 (VCV001447110.9), dbSNP rs1443443959, ClinGen allele CA374868260.

ClinVar aggregate classification (germline): Conflicting classifications of pathogenicity. Review status: criteria provided, conflicting classifications (1 of 4 stars). 2 submissions from 2 submitters: Pathogenic (1); Uncertain significance (1). Last evaluated 2025-09-16.

Allele frequency attached by ClinVar (database versions not stated): TOPMed below 0.00001; gnomAD 0.00001.
gnomAD v4.1: 14 of 1,588,852 alleles (0.00088%); highest among the groups gnomAD compares: Admixed American, 0.0017%; no homozygotes.

Submissions (2):

Labcorp Genetics (formerly Invitae), Labcorp
Classification: Pathogenic. Last evaluated: 2025-09-16. Review status: criteria provided, single submitter. Criteria: Invitae Variant Classification Sherloc (09022015). Collection method: clinical testing. Allele origin: germline.
Comment: This sequence change replaces aspartic acid, which is acidic and polar, with glutamic acid, which is acidic and polar, at codon 1073 of the CRB2 protein (p.Asp1073Glu). This variant is present in population databases (no rsID available, gnomAD 0.003%). This missense change has been observed in individual(s) with clinical features of nephrotic syndrome (internal data). In at least one individual the data is consistent with being in trans (on the opposite chromosome) from a pathogenic variant. It has also been observed to segregate with disease in related individuals. ClinVar contains an entry for this variant (Variation ID: 1447110). Invitae Evidence Modeling of protein sequence and biophysical properties (such as structural, functional, and spatial information, amino acid conservation, physicochemical variation, residue mobility, and thermodynamic stability) indicates that this missense variant is expected to disrupt CRB2 protein function with a positive predictive value of 80%. For these reasons, this variant has been classified as Pathogenic.

GeneDx
Classification: Uncertain significance. Last evaluated: 2024-05-29. Review status: criteria provided, single submitter. Criteria: GeneDx Variant Classification Process June 2021. Collection method: clinical testing. Allele origin: germline. Affected: yes.
Comment: Identified with a second CRB2 variant in a patient with steroid-resistant nephrotic syndrome, however, it is not known whether the variants occurred on the same (in cis) or on different (in trans) chromosomes (PMID: 36898413); In silico analysis supports that this missense variant has a deleterious effect on protein structure/function; Not observed at significant frequency in large population cohorts (gnomAD); This variant is associated with the following publications: (PMID: 36898413)